The following is an entry in ClinVar:

NM_014822.4(SEC24D):c.2416C>T (p.Arg806Trp)

Gene: SEC24D (SEC24 homolog D, COPII coat complex component; minus strand). Cytogenetic location: 4q26.
Variant type: single nucleotide variant.
Coding change: c.2416C>T on transcript NM_014822.4 (MANE Select); coding-DNA position 2416, C replaced by T.
Protein change: p.Arg806Trp; replaces arginine 806 with tryptophan.
Molecular consequence: missense variant.
Genome position (GRCh38, 1-based): chr4:118,738,341, G>A on the plus strand (C>T on the coding strand, the complement: SEC24D is on the minus strand). VCF-style: chr4-118738341-G-A. GRCh37 (hg19) VCF-style: chr4-119659496-G-A.
Other names: c.2419C>T, p.Arg807Trp (NM_001318066.2); short protein forms R806W, R807W.
Identifiers: ClinVar variation 1331290 (VCV001331290.4), dbSNP rs148390890, ClinGen allele CA3056975.

ClinVar aggregate classification (germline): Uncertain significance. Review status: criteria provided, multiple submitters, no conflicts (2 of 4 stars). 2 submissions from 2 submitters: Uncertain significance (2). Last evaluated 2022-04-16.

Allele frequency attached by ClinVar (database versions not stated): gnomAD 0.00011 and 0.00015; TOPMed 0.00011; ESP Exome Variant Server 0.00015; 1000 Genomes Project 30x 0.00062; 1000 Genomes Project 0.00080.
gnomAD v4.1: 260 of 1,613,320 alleles (0.016%); highest among the groups gnomAD compares: East Asian, 0.38%; no homozygotes.

Submissions (2):

Labcorp Genetics (formerly Invitae), Labcorp
Classification: Uncertain significance. Last evaluated: 2022-04-16. Review status: criteria provided, single submitter. Criteria: Invitae Variant Classification Sherloc (09022015). Collection method: clinical testing. Allele origin: germline.
Comment: This sequence change replaces arginine, which is basic and polar, with tryptophan, which is neutral and slightly polar, at codon 806 of the SEC24D protein (p.Arg806Trp). This variant is present in population databases (rs148390890, gnomAD 0.03%). This variant has not been reported in the literature in individuals affected with SEC24D-related conditions. ClinVar contains an entry for this variant (Variation ID: 1331290). Algorithms developed to predict the effect of missense changes on protein structure and function are either unavailable or do not agree on the potential impact of this missense change (SIFT: "Not Available"; PolyPhen-2: "Probably Damaging"; Align-GVGD: "Not Available"). In summary, the available evidence is currently insufficient to determine the role of this variant in disease. Therefore, it has been classified as a Variant of Uncertain Significance.

GeneDx
Classification: Uncertain significance. Last evaluated: 2021-12-30. Review status: criteria provided, single submitter. Criteria: GeneDx Variant Classification Process June 2021. Collection method: clinical testing. Allele origin: germline. Affected: yes.
Comment: In silico analysis supports that this missense variant has a deleterious effect on protein structure/function; Has not been previously published as pathogenic or benign to our knowledge